The following is an entry in ClinVar:

ClinVar aggregate classification (germline): Uncertain significance (1 of 4 stars; one submission).

Submission:

Labcorp Genetics (formerly Invitae), Labcorp
Classification: Uncertain significance. Last evaluated: 2023-09-30. Review status: criteria provided, single submitter. Criteria: Invitae Variant Classification Sherloc (09022015). Collection method: clinical testing. Allele origin: germline.
Comment: This variant is present in population databases (rs781942330, gnomAD 0.006%). This variant, c.814_816del, results in the deletion of 1 amino acid(s) of the CAPN5 protein (p.Phe272del), but otherwise preserves the integrity of the reading frame. This variant has not been reported in the literature in individuals affected with CAPN5-related conditions. In summary, the available evidence is currently insufficient to determine the role of this variant in disease. Therefore, it has been classified as a Variant of Uncertain Significance. Experimental studies and prediction algorithms are not available or were not evaluated, and the functional significance of this variant is currently unknown.

NM_004055.5(CAPN5):c.811TTC[1] (p.Phe272del)

Gene: CAPN5 (calpain 5; plus strand). Cytogenetic location: 11q13.5.
Variant type: Microsatellite.
Coding change: c.811TTC[1] on transcript NM_004055.5 (MANE Select); one copy of the 3-base unit TTC starting at c.811; the reference has two copies in a row; one copy, 3 bases deleted.
Protein change: p.Phe272del; deletes phenylalanine 272.
Molecular consequence: inframe deletion.
Genome position (GRCh38, 1-based): chr11:77,115,509-77,115,511, TTC deleted; deleting any 3 consecutive bases within chr11:77,115,505-77,115,511 gives the same sequence; the position shown is the placement nearest the transcript's 3' end. VCF-style (leftmost placement, unchanged base first): chr11-77115504-CCTT-C. GRCh37 (hg19) VCF-style: chr11-76826550-CCTT-C.
Other names: short protein forms F272del.
Identifiers: ClinVar variation 1953996 (VCV001953996.5), dbSNP rs781942330, ClinGen allele CA6196567.
Genomic context (GRCh38, chr11:77,115,504, plus strand): 5'-AGGGCCACGCATACGCCGTCACTGATGTGCGCAAGGTGCGCCTGGGCCACGGCCTACTGG[CCTT>C]CTTCAAGTCAGAGAAGTTGGACATGATCCGCCTGCGCAACCCCTGGGGCGAGCGGGAGTG-3'